The following is an entry in ClinVar:

NM_152384.3(BBS5):c.347G>A (p.Gly116Glu)

Gene: BBS5 (Bardet-Biedl syndrome 5; plus strand). Cytogenetic location: 2q31.1.
Variant type: single nucleotide variant.
Coding change: c.347G>A on transcript NM_152384.3 (MANE Select); coding-DNA position 347, G replaced by A.
Protein change: p.Gly116Glu; replaces glycine 116 with glutamic acid.
Molecular consequence: missense variant.
Genome position (GRCh38, 1-based): chr2:169,488,075, G>A. VCF-style: chr2-169488075-G-A. GRCh37 (hg19) VCF-style: chr2-170344585-G-A.
Other names: short protein forms G116E.
Identifiers: ClinVar variation 1021887 (VCV001021887.10), dbSNP rs1683516352, ClinGen allele CA349162855.

ClinVar aggregate classification (germline): Uncertain significance (1 of 4 stars; one submission).

Conditions:
Bardet-Biedl syndrome (BBS). Identifiers: Orphanet 110, MedGen C0752166, MONDO:0015229.

Submission:

Labcorp Genetics (formerly Invitae), Labcorp
Classification: Uncertain significance for Bardet-Biedl syndrome. Last evaluated: 2022-07-06. Review status: criteria provided, single submitter. Criteria: Invitae Variant Classification Sherloc (09022015). Collection method: clinical testing. Allele origin: germline.
Comment: In summary, the available evidence is currently insufficient to determine the role of this variant in disease. Therefore, it has been classified as a Variant of Uncertain Significance. Algorithms developed to predict the effect of missense changes on protein structure and function are either unavailable or do not agree on the potential impact of this missense change (SIFT: "Tolerated"; PolyPhen-2: "Probably Damaging"; Align-GVGD: "Class C0"). ClinVar contains an entry for this variant (Variation ID: 1021887). This variant has not been reported in the literature in individuals affected with BBS5-related conditions. This variant is not present in population databases (gnomAD no frequency). This sequence change replaces glycine, which is neutral and non-polar, with glutamic acid, which is acidic and polar, at codon 116 of the BBS5 protein (p.Gly116Glu).